The following is an entry in ClinVar:

ClinVar aggregate classification (germline): Likely benign. Review status: criteria provided, multiple submitters, no conflicts (2 of 4 stars). 2 submissions from 2 submitters: Likely benign (2). Last evaluated 2025-12-21.

Conditions:
Autosomal recessive limb-girdle muscular dystrophy type 2J (LGMDR10). Also called: Limb-girdle muscular dystrophy, type 2J; MUSCULAR DYSTROPHY, LIMB-GIRDLE, AUTOSOMAL RECESSIVE 10. Identifiers: Orphanet 140922, MedGen C1837342, MONDO:0012127, OMIM 608807.
Dilated cardiomyopathy 1G (CMD1G). Identifiers: Orphanet 154, MedGen C1858763, MONDO:0011400, OMIM 604145.

Allele frequency attached by ClinVar (database versions not stated): gnomAD exomes below 0.00001 and 0.00001; ExAC 0.00001; gnomAD 0.00001; TOPMed 0.00001; ESP Exome Variant Server 0.00008.
gnomAD v4.1: 11 of 1,613,624 alleles (0.00068%); highest among the groups gnomAD compares: African/African-American, 0.0013%; no homozygotes.

Submissions (2):

Labcorp Genetics (formerly Invitae), Labcorp
Classification: Likely benign for Dilated cardiomyopathy 1G; Autosomal recessive limb-girdle muscular dystrophy type 2J. Last evaluated: 2025-12-21. Review status: criteria provided, single submitter. Criteria: Invitae Variant Classification Sherloc (09022015). Collection method: clinical testing. Allele origin: germline.

GeneDx
Classification: Likely benign. Last evaluated: 2017-01-03. Review status: criteria provided, single submitter. Criteria: GeneDx Variant Classification (06012015). Collection method: clinical testing. Allele origin: germline. Affected: yes.
Comment: This variant is considered likely benign or benign based on one or more of the following criteria: it is a conservative change, it occurs at a poorly conserved position in the protein, it is predicted to be benign by multiple in silico algorithms, and/or has population frequency not consistent with disease.

NM_001267550.2(TTN):c.83049G>A (p.Lys27683=)

Genes: TTN (titin; minus strand), TTN-AS1 (TTN antisense RNA 1; plus strand). Cytogenetic location: 2q31.2.
Variant type: single nucleotide variant.
Coding change: c.83049G>A on transcript NM_001267550.2 (MANE Select); coding-DNA position 83049, G replaced by A.
Protein change: p.Lys27683=; no amino-acid change (lysine 27683 retained).
Molecular consequence: synonymous variant.
Genome position (GRCh38, 1-based): chr2:178,563,083, C>T on the plus strand (G>A on the coding strand, the complement: TTN is on the minus strand). VCF-style: chr2-178563083-C-T. GRCh37 (hg19) VCF-style: chr2-179427810-C-T.
Other names: c.78126G>A, p.Lys26042= (NM_001256850.1); c.55854G>A, p.Lys18618= (NM_003319.4); c.75345G>A, p.Lys25115= (NM_133378.4); c.56229G>A, p.Lys18743= (NM_133432.3); c.56430G>A, p.Lys18810= (NM_133437.4).
Identifiers: ClinVar variation 392514 (VCV000392514.4), dbSNP rs373522006, ClinGen allele CA1988982.